The following is an entry in ClinVar:

ClinVar aggregate classification (germline): Likely benign (1 of 4 stars; one submission).

Conditions:
NTRK1-related disorder. Also called: NTRK1-related condition.

gnomAD v4.1: 42 of 1,598,548 alleles (0.0026%); highest among the groups gnomAD compares: South Asian, 0.01%; no homozygotes.

Submission:

PreventionGenetics, part of Exact Sciences
Classification: Likely benign for NTRK1-related condition. Last evaluated: 2025-10-26. Review status: criteria provided, single submitter. Criteria: ACMG Guidelines, 2015. Collection method: clinical testing. Allele origin: germline.
Comment: This variant is classified as likely benign based on ACMG/AMP sequence variant interpretation guidelines (Richards et al. 2015 PMID: 25741868, with internal and published modifications).

NM_002529.4(NTRK1):c.*7G>A

Gene: NTRK1 (neurotrophic receptor tyrosine kinase 1; plus strand). Cytogenetic location: 1q23.1.
Variant type: single nucleotide variant.
Coding change: c.*7G>A on transcript NM_002529.4 (MANE Select); 7 bases downstream of the stop codon, G replaced by A.
Molecular consequence: 3 prime UTR variant.
Genome position (GRCh38, 1-based): chr1:156,881,649, G>A. VCF-style: chr1-156881649-G-A. GRCh37 (hg19) VCF-style: chr1-156851441-G-A.
Other names: c.*7G>A (NM_001007792.1, NM_001012331.2).
Identifiers: ClinVar variation 4978491 (VCV004978491.1).